The following is an entry in ClinVar:

NM_000038.6(APC):c.7425T>C (p.Thr2475=)

Gene: APC (APC regulator of Wnt signaling pathway; plus strand). Cytogenetic location: 5q22.2.
Variant type: single nucleotide variant.
Coding change: c.7425T>C on transcript NM_000038.6 (MANE Select); coding-DNA position 7425, T replaced by C.
Protein change: p.Thr2475=; no amino-acid change (threonine 2475 retained).
Molecular consequence: synonymous variant.
Genome position (GRCh38, 1-based): chr5:112,843,019, T>C. VCF-style: chr5-112843019-T-C. GRCh37 (hg19) VCF-style: chr5-112178716-T-C.
Other names: c.7425T>C, p.Thr2475= (NM_001127510.3, NM_001354895.2); c.7371T>C, p.Thr2457= (NM_001127511.3); c.7479T>C, p.Thr2493= (NM_001354896.2); c.7455T>C, p.Thr2485= (NM_001354897.2); c.7350T>C, p.Thr2450= (NM_001354898.2); c.7341T>C, p.Thr2447= (NM_001354899.2); c.7302T>C, p.Thr2434= (NM_001354900.2); c.7248T>C, p.Thr2416= (NM_001354901.2); and 5 more.
Identifiers: ClinVar variation 517004 (VCV000517004.14), dbSNP rs1554088347, ClinGen allele CA446210633.

ClinVar aggregate classification (germline): Benign/Likely benign. Review status: criteria provided, multiple submitters, no conflicts (2 of 4 stars). 6 submissions from 6 submitters: Benign (1); Likely benign (5). Last evaluated 2026-01-25.

Conditions:
Familial adenomatous polyposis 1 (FAP1). Also called: POLYPOSIS, ADENOMATOUS INTESTINAL; FAMILIAL ADENOMATOUS POLYPOSIS 1, ATTENUATED. Identifiers: MedGen C2713442, MONDO:0021056, OMIM 175100. Disease mechanism: loss of function.
Hereditary cancer-predisposing syndrome. Also called: Tumor predisposition; Hereditary neoplastic syndrome; Neoplastic Syndromes, Hereditary; Hereditary Cancer Syndrome. Identifiers: Orphanet 140162, MedGen C0027672, MeSH D009386, MONDO:0015356.

gnomAD v4.1: 2 of 1,613,960 alleles (0.00012%); highest among the groups gnomAD compares: Non-Finnish European, 0.00017%; no homozygotes.

Submissions (6):

Labcorp Genetics (formerly Invitae), Labcorp
Classification: Likely benign for Familial adenomatous polyposis 1. Last evaluated: 2026-01-25. Review status: criteria provided, single submitter. Criteria: Invitae Variant Classification Sherloc (09022015). Collection method: clinical testing. Allele origin: germline.

Myriad Genetics, Inc.
Classification: Benign for Familial adenomatous polyposis 1. Last evaluated: 2024-04-09. Review status: criteria provided, single submitter. Criteria: Myriad Autosomal Dominant, Autosomal Recessive and X-Linked Classification Criteria (2023). Collection method: clinical testing. Allele origin: unknown.
Comment: This variant is considered benign. This variant is a silent/synonymous amino acid change and it is not expected to impact splicing.

Institute for Biomarker Research, Medical Diagnostic Laboratories, L.L.C.
Classification: Likely benign for Hereditary cancer-predisposing syndrome. Last evaluated: 2023-11-21. Review status: criteria provided, single submitter. Criteria: ACMG Guidelines, 2015. Collection method: clinical testing. Allele origin: germline.

Ambry Genetics
Classification: Likely benign for Hereditary cancer-predisposing syndrome. Last evaluated: 2022-04-29. Review status: criteria provided, single submitter. Criteria: Ambry Variant Classification Scheme 2023. Collection method: clinical testing. Allele origin: germline.

Sema4
Classification: Likely benign for Hereditary cancer-predisposing syndrome. Last evaluated: 2020-08-03. Review status: criteria provided, single submitter. Criteria: Sema4 Curation Guidelines. Collection method: curation. Allele origin: germline.

GeneDx
Classification: Likely benign. Last evaluated: 2018-02-22. Review status: criteria provided, single submitter. Criteria: GeneDx Variant Classification (06012015). Collection method: clinical testing. Allele origin: germline. Affected: yes.
Comment: This variant is considered likely benign or benign based on one or more of the following criteria: it is a conservative change, it occurs at a poorly conserved position in the protein, it is predicted to be benign by multiple in silico algorithms, and/or has population frequency not consistent with disease.